The following is an entry in ClinVar:

ClinVar aggregate classification (germline): Uncertain significance (1 of 4 stars; one submission).

Conditions:
Cardiomyopathy (CMYO). Also called: Cardiomyopathies. Identifiers: Orphanet 167848, MedGen C0878544, MONDO:0004994, HP:0001638. Inheritance: Various modes of inheritance.

Submission:

Color Diagnostics, LLC DBA Color Health
Classification: Uncertain significance for Cardiomyopathy. Last evaluated: 2022-12-05. Review status: criteria provided, single submitter. Criteria: ACMG Guidelines, 2015. Collection method: clinical testing. Allele origin: germline.
Comment: This missense variant replaces arginine with serine at codon 548 of the DSG2 protein. Computational prediction suggests that this variant may not impact protein structure and function (internally defined REVEL score threshold <= 0.5, PMID: 27666373). To our knowledge, functional studies have not been reported for this variant. This variant has not been reported in individuals affected with DSG2-related disorders in the literature. This variant has not been identified in the general population by the Genome Aggregation Database (gnomAD). The available evidence is insufficient to determine the role of this variant in disease conclusively. Therefore, this variant is classified as a Variant of Uncertain Significance.

NM_001943.5(DSG2):c.1642C>A (p.Arg548Ser)

Gene: DSG2 (desmoglein 2; plus strand). Cytogenetic location: 18q12.1.
Variant type: single nucleotide variant.
Coding change: c.1642C>A on transcript NM_001943.5 (MANE Select); coding-DNA position 1642, C replaced by A.
Protein change: p.Arg548Ser; replaces arginine 548 with serine.
Molecular consequence: missense variant.
Genome position (GRCh38, 1-based): chr18:31,536,420, C>A. VCF-style: chr18-31536420-C-A. GRCh37 (hg19) VCF-style: chr18-29116383-C-A.
Other names: short protein forms R548S.
Identifiers: ClinVar variation 2775228 (VCV002775228.2), dbSNP rs550400909, ClinGen allele CA402142246.